The following is an entry in ClinVar:

NM_005257.6(GATA6):c.447G>C (p.Gln149His)

Gene: GATA6 (GATA binding protein 6; plus strand). Cytogenetic location: 18q11.2.
Variant type: single nucleotide variant.
Coding change: c.447G>C on transcript NM_005257.6 (MANE Select); coding-DNA position 447, G replaced by C.
Protein change: p.Gln149His; replaces glutamine 149 with histidine.
Molecular consequence: missense variant.
Genome position (GRCh38, 1-based): chr18:22,171,591, G>C. VCF-style: chr18-22171591-G-C. GRCh37 (hg19) VCF-style: chr18-19751552-G-C.
Other names: short protein forms Q149H.
Identifiers: ClinVar variation 3053468 (VCV003053468.4), dbSNP rs2510625841, ClinGen allele CA401799690.

ClinVar aggregate classification (germline): Uncertain significance. Review status: criteria provided, single submitter (1 of 4 stars). 2 submissions from 2 submitters: Uncertain significance (1). 1 of the submissions does not count toward it. Last evaluated 2024-12-17.

Conditions:
Atrioventricular septal defect 5 (AVSD5). Identifiers: MedGen C3280939, MONDO:0013769, OMIM 614474.
GATA6-related disorder. Also called: GATA6-related condition.

Allele frequency attached by ClinVar (database versions not stated): gnomAD exomes below 0.00001.
gnomAD v4.1: 5 of 1,601,508 alleles (0.00031%); highest among the groups gnomAD compares: Non-Finnish European, 0.00042%; no homozygotes.

Submissions (2):

Labcorp Genetics (formerly Invitae), Labcorp
Classification: Uncertain significance for Atrioventricular septal defect 5. Last evaluated: 2024-12-17. Review status: criteria provided, single submitter. Criteria: Invitae Variant Classification Sherloc (09022015). Collection method: clinical testing. Allele origin: germline.
Comment: This sequence change replaces glutamine, which is neutral and polar, with histidine, which is basic and polar, at codon 149 of the GATA6 protein (p.Gln149His). This variant is not present in population databases (gnomAD no frequency). This variant has not been reported in the literature in individuals affected with GATA6-related conditions. ClinVar contains an entry for this variant (Variation ID: 3053468). Invitae Evidence Modeling of protein sequence and biophysical properties (such as structural, functional, and spatial information, amino acid conservation, physicochemical variation, residue mobility, and thermodynamic stability) indicates that this missense variant is not expected to disrupt GATA6 protein function with a negative predictive value of 80%. In summary, the available evidence is currently insufficient to determine the role of this variant in disease. Therefore, it has been classified as a Variant of Uncertain Significance.

PreventionGenetics, part of Exact Sciences
Classification: Uncertain significance for GATA6-related condition. Last evaluated: 2023-12-10. Review status: no assertion criteria provided. Collection method: clinical testing. Allele origin: germline. Not counted in ClinVar's aggregate classification.
Comment: The GATA6 c.447G>C variant is predicted to result in the amino acid substitution p.Gln149His. To our knowledge, this variant has not been reported in the literature or in a large population database, indicating this variant is rare. At this time, the clinical significance of this variant is uncertain due to the absence of conclusive functional and genetic evidence.